The following is an entry in ClinVar:

ClinVar aggregate classification (germline): Uncertain significance. Review status: criteria provided, multiple submitters, no conflicts (2 of 4 stars). 3 submissions from 3 submitters: Uncertain significance (3). Last evaluated 2024-04-24.

Conditions:
Inborn genetic diseases. Identifiers: MedGen C0950123, MeSH D030342.
Vici syndrome (VICIS). Identifiers: Orphanet 1493, MedGen C1855772, MONDO:0009452, OMIM 242840.
EPG5-related disorder. Also called: EPG5-related condition. Identifiers: MedGen CN381528.

gnomAD v4.1: 8 of 1,613,576 alleles (0.0005%); highest among the groups gnomAD compares: Admixed American, 0.01%; no homozygotes.

Submissions (3):

Ambry Genetics
Classification: Uncertain significance for Inborn genetic diseases. Last evaluated: 2024-04-24. Review status: criteria provided, single submitter. Criteria: Ambry Variant Classification Scheme 2023. Collection method: clinical testing. Allele origin: germline.

PreventionGenetics, part of Exact Sciences
Classification: Uncertain significance for EPG5-related condition. Last evaluated: 2022-10-10. Review status: criteria provided, single submitter. Criteria: ACMG Guidelines, 2015. Collection method: clinical testing. Allele origin: germline.
Comment: The EPG5 c.1954G>T variant is predicted to result in the amino acid substitution p.Gly652Cys. To our knowledge, this variant has not been reported in the literature. This variant is reported in 0.012% of alleles in individuals of Latino descent in gnomAD. At this time, the clinical significance of this variant is uncertain due to the absence of conclusive functional and genetic evidence.

Labcorp Genetics (formerly Invitae), Labcorp
Classification: Uncertain significance for Vici syndrome. Last evaluated: 2022-07-03. Review status: criteria provided, single submitter. Criteria: Invitae Variant Classification Sherloc (09022015). Collection method: clinical testing. Allele origin: germline.
Comment: This sequence change replaces glycine, which is neutral and non-polar, with cysteine, which is neutral and slightly polar, at codon 652 of the EPG5 protein (p.Gly652Cys). This variant is present in population databases (no rsID available, gnomAD 0.01%). This variant has not been reported in the literature in individuals affected with EPG5-related conditions. ClinVar contains an entry for this variant (Variation ID: 1447767). Algorithms developed to predict the effect of missense changes on protein structure and function output the following: SIFT: "Tolerated"; PolyPhen-2: "Probably Damaging"; Align-GVGD: "Class C0". The cysteine amino acid residue is found in multiple mammalian species, which suggests that this missense change does not adversely affect protein function. In summary, the available evidence is currently insufficient to determine the role of this variant in disease. Therefore, it has been classified as a Variant of Uncertain Significance.

NM_020964.3(EPG5):c.1954G>T (p.Gly652Cys)

Gene: EPG5 (ectopic P-granules 5 autophagy tethering factor; minus strand). Cytogenetic location: 18q21.1.
Variant type: single nucleotide variant.
Coding change: c.1954G>T on transcript NM_020964.3 (MANE Select); coding-DNA position 1954, G replaced by T.
Protein change: p.Gly652Cys; replaces glycine 652 with cysteine.
Molecular consequence: missense variant.
Genome position (GRCh38, 1-based): chr18:45,939,745, C>A on the plus strand (G>T on the coding strand, the complement: EPG5 is on the minus strand). VCF-style: chr18-45939745-C-A. GRCh37 (hg19) VCF-style: chr18-43519711-C-A.
Other names: c.1954G>T (NM_020964.2); short protein forms G652C.
Identifiers: ClinVar variation 1447767 (VCV001447767.7), dbSNP rs754417895, ClinGen allele CA402348194.